The following is an entry in ClinVar:

NM_016120.4(RLIM):c.1792G>A (p.Asp598Asn)

Gene: RLIM (ring finger protein, LIM domain interacting; minus strand). Cytogenetic location: Xq13.2.
Variant type: single nucleotide variant.
Coding change: c.1792G>A on transcript NM_016120.4 (MANE Select); coding-DNA position 1792, G replaced by A.
Protein change: p.Asp598Asn; replaces aspartic acid 598 with asparagine.
Molecular consequence: missense variant.
Genome position (GRCh38, 1-based): chrX:74,591,523, C>T on the plus strand (G>A on the coding strand, the complement: RLIM is on the minus strand). VCF-style: chrX-74591523-C-T. GRCh37 (hg19) VCF-style: chrX-73811358-C-T.
Other names: c.1792G>A, p.Asp598Asn (NM_183353.3); short protein forms D598N.
Identifiers: ClinVar variation 585243 (VCV000585243.5), dbSNP rs1569309460, ClinGen allele CA413659073.

ClinVar aggregate classification (germline): Pathogenic/Likely pathogenic. Review status: criteria provided, multiple submitters, no conflicts (2 of 4 stars). 3 submissions from 3 submitters: Pathogenic (1); Likely pathogenic (1). 1 of the submissions does not count toward it. Last evaluated 2022-08-16.

Conditions:
Intellectual disability, X-linked 61 (TOKAS). Also called: TONNE-KALSCHEUER SYNDROME. Identifiers: MedGen C4283894, MONDO:0010506, OMIM 300978.

Submissions (3):

MGZ Medical Genetics Center
Classification: Likely pathogenic for Intellectual disability, X-linked 61. Last evaluated: 2022-08-16. Review status: criteria provided, single submitter. Criteria: ACMG Guidelines, 2015. Collection method: clinical testing. Allele origin: germline. Affected: yes. Observed: 1 variant allele.
Comment: ACMG criteria applied: PS3_MOD, PS4_MOD, PM2_SUP, PP1

GeneDx
Classification: Pathogenic. Last evaluated: 2020-03-31. Review status: criteria provided, single submitter. Criteria: GeneDx Variant Classification Process June 2021. Collection method: clinical testing. Allele origin: germline. Affected: yes.
Comment: Published functional studies demonstrate a damaging effect (Frints et al., 2018); Not observed in large population cohorts (Lek et al., 2016); In silico analysis supports that this missense variant has a deleterious effect on protein structure/function; This variant is associated with the following publications: (PMID: 29728705)

OMIM
Classification: Pathogenic for TONNE-KALSCHEUER SYNDROME. Last evaluated: 2019-10-31. Review status: no assertion criteria provided. Collection method: literature only. Allele origin: germline. Not counted in ClinVar's aggregate classification.

Literature cited by the submitters: PubMed 29728705 (cited by OMIM).